The following is an entry in ClinVar:

ClinVar aggregate classification (germline): Uncertain significance. Review status: criteria provided, multiple submitters, no conflicts (2 of 4 stars). 2 submissions from 2 submitters: Uncertain significance (2). Last evaluated 2024-10-08.

Conditions:
Inborn genetic diseases. Identifiers: MedGen C0950123, MeSH D030342.

Allele frequency attached by ClinVar (database versions not stated): gnomAD 0.00006; ExAC 0.00008; ESP Exome Variant Server 0.00008; gnomAD exomes 0.00008 and 0.00009; TOPMed 0.00011.
gnomAD v4.1: 128 of 1,613,732 alleles (0.0079%); highest among the groups gnomAD compares: Admixed American, 0.038%; no homozygotes.

Submissions (2):

Ambry Genetics
Classification: Uncertain significance for Inborn genetic diseases. Last evaluated: 2024-10-08. Review status: criteria provided, single submitter. Criteria: Ambry Variant Classification Scheme 2023. Collection method: clinical testing. Allele origin: germline.

Labcorp Genetics (formerly Invitae), Labcorp
Classification: Uncertain significance. Last evaluated: 2022-09-22. Review status: criteria provided, single submitter. Criteria: Invitae Variant Classification Sherloc (09022015). Collection method: clinical testing. Allele origin: germline.
Comment: This sequence change replaces glycine, which is neutral and non-polar, with glutamic acid, which is acidic and polar, at codon 48 of the MTPAP protein (p.Gly48Glu). This variant is present in population databases (rs374264325, gnomAD 0.03%). This variant has not been reported in the literature in individuals affected with MTPAP-related conditions. ClinVar contains an entry for this variant (Variation ID: 1523098). Algorithms developed to predict the effect of missense changes on protein structure and function (SIFT, PolyPhen-2, Align-GVGD) all suggest that this variant is likely to be tolerated. In summary, the available evidence is currently insufficient to determine the role of this variant in disease. Therefore, it has been classified as a Variant of Uncertain Significance.

NM_018109.4(MTPAP):c.143G>A (p.Gly48Glu)

Gene: MTPAP (mitochondrial poly(A) polymerase; minus strand). Cytogenetic location: 10p11.23.
Variant type: single nucleotide variant.
Coding change: c.143G>A on transcript NM_018109.4 (MANE Select); coding-DNA position 143, G replaced by A.
Protein change: p.Gly48Glu; replaces glycine 48 with glutamic acid.
Molecular consequence: missense variant.
Genome position (GRCh38, 1-based): chr10:30,349,133, C>T on the plus strand (G>A on the coding strand, the complement: MTPAP is on the minus strand). VCF-style: chr10-30349133-C-T. GRCh37 (hg19) VCF-style: chr10-30638062-C-T.
Other names: c.143G>A (NM_018109.3); short protein forms G48E.
Identifiers: ClinVar variation 1523098 (VCV001523098.4), dbSNP rs374264325, ClinGen allele CA5459283.
Genomic context (GRCh38, chr10:30,349,133, plus strand): 5'-CTCGCCCGCTGTGGGACGGAACTACAGGGCAAACCGGCGCCATCACCTGTCTCCACGCTC[C>T]CTGAAGGCTGCTCGTCTCTCCTAAGGTCTTTGGCCACAGTTCCTGGGCAACTCAAAAGCC-3'
Protein context (NP_060579.3, residues 38-58): KDLRRDEQPS[Gly48Glu]SVETGFEDKI